The following continues an entry in ClinVar:

NM_005359.6(SMAD4):c.1245_1248del (p.Asp415Glufs)

Gene: SMAD4. ClinVar aggregate classification (germline): Pathogenic. Pathogenic (14).

Submissions 9 to 21 of 21:

Center for Genomics, Ann and Robert H. Lurie Children's Hospital of Chicago
Classification: Pathogenic for Familial pancreatic carcinoma; Myhre syndrome; Juvenile polyposis syndrome; Juvenile polyposis/hereditary hemorrhagic telangiectasia syndrome. Last evaluated: 2021-03-30. Review status: criteria provided, single submitter. Criteria: ACMG Guidelines, 2015. Collection method: clinical testing. Allele origin: germline.
Comment: SMAD4 NM_005359.5 exon 10 p.Asp415Glufs*20 (c.1245_1248delCAGA): This variant has been reported in the literature (alternate nomenclature: c.1244_1247del, c.1242_1245delAGAC, c.1372_1375del4) in multiple individuals with juvenile polyposis syndrome (JPS) (Howe 1998 PMID:9582123, Aretz 2007 PMID:17873119, Pintiliciuc 2008 PMID:18355998, Calva-Cerqueira 2009 PMID:18823382, Piepoli 2012 PMID:22748914, Ngeow 2013 PMID:23399955, Blatter 2015 PMID:26171675, Burmester 2016 PMID:27375208) and was shown to segregate with disease in several affected family members (Howe 1998 PMID:9582123, Piepoli 2012 PMID:22748914, Burmester 2016 PMID:27375208). This variant was also identified in an individual presenting with JPS, hereditary hemorrhagic telangiectasia (HTT), and features of syndromic TAAD (Teekakirikul 2013 PMID:23239472). This variant is not present in large control databases, and it is present in ClinVar, with several labs classifying this variant as pathogenic (Variation ID:142253). Evolutionary conservation and computational predictive tools for this variant are limited or unavailable. However, an in vitro functional study showed significantly decreased luciferase activity with this deletion, which is suggested to have a negative impact on downstream BMP signaling (Carr 2012 PMID:22316667). However, these studies may not accurately represent in vivo biological function. This variant is a deletion of 4 nucleotides and creates a premature stop codon 20 amino acids downstream from this location which results in an absent or abnormal protein. Loss of function variants have been described as a mechanism of disease for this gene (Gallione 2010 PMID:20101697). In summary, this variant is classified as pathogenic based on the data above.

Color Diagnostics, LLC DBA Color Health
Classification: Pathogenic for Hereditary cancer-predisposing syndrome. Last evaluated: 2021-01-26. Review status: criteria provided, single submitter. Criteria: ACMG Guidelines, 2015. Collection method: clinical testing. Allele origin: germline.
Comment: This variant deletes 4 nucleotides in exon 10 of the SMAD4 gene, creating a frameshift and premature translation stop signal. This variant is expected to result in an absent or non-functional protein product. To our knowledge, functional studies have not been reported for this variant. This variant has been reported in individuals affected with juvenile polyposis syndrome (PMID: 9582123, 15235019, 16152648, 17873119, 18823382, 22748914, 23239472, 23399955) along with individuals affected with atypical forms of gastrointestinal polyposis (PMID: 18355998, 22748914, 23239472). This variant has not been identified in the general population by the Genome Aggregation Database (gnomAD). Loss of SMAD4 function is a known mechanism of disease. Based on the available evidence, this variant is classified as Pathogenic.

Women's Health and Genetics/Laboratory Corporation of America, LabCorp
Classification: Pathogenic for Juvenile polyposis syndrome. Last evaluated: 2020-02-05. Review status: criteria provided, single submitter. Criteria: LabCorp Variant Classification Summary - May 2015. Collection method: clinical testing. Allele origin: germline.
Comment: Variant summary: SMAD4 c.1245_1248delCAGA (p.Asp415GlufsX20) results in a premature termination codon, predicted to cause a truncation of the encoded protein or absence of the protein due to nonsense mediated decay, which are commonly known mechanisms for disease. The variant was absent in 251950 control chromosomes (gnomAD and publication). c.1245_1248delCAGA has been reported in the literature in multiple individuals affected with Juvenile Polyposis Syndrome and was also shown to segregate with the disease (Carr_2012, Howe_1998). These data indicate that the variant is very likely to be associated with disease. Experimental evidence evaluating an impact on protein function demonstrated the variant leads to decreased bone morphogenetic protein signaling (Carr_2012). Six ClinVar submitters (evaluation after 2014) cite the variant as pathogenic. Based on the evidence outlined above, the variant was classified as pathogenic.

Institute of Human Genetics, University of Leipzig Medical Center
Classification: Pathogenic for Juvenile polyposis syndrome. Last evaluated: 2018-11-12. Review status: criteria provided, single submitter. Criteria: ACMG Guidelines, 2015. Collection method: clinical testing. Allele origin: germline. Affected: yes. Observed: 1 variant allele.

Center for Genomics, Ann and Robert H. Lurie Children's Hospital of Chicago
Classification: Pathogenic for Juvenile polyposis/hereditary hemorrhagic telangiectasia syndrome; Myhre syndrome; Familial pancreatic carcinoma; Juvenile polyposis syndrome. Last evaluated: 2018-09-07. Review status: criteria provided, single submitter. Criteria: ACMG Guidelines, 2015. Collection method: clinical testing. Allele origin: germline.
Comment: the same text as in the submission from Center for Genomics, Ann and Robert H. Lurie Children's Hospital of Chicago above.

Laboratory for Molecular Medicine, Mass General Brigham Personalized Medicine
Classification: Pathogenic for Juvenile polyposis syndrome. Last evaluated: 2018-07-03. Review status: criteria provided, single submitter. Criteria: LMM Criteria. Collection method: clinical testing. Allele origin: germline. Inheritance: Autosomal dominant inheritance. Observed: 1 variant allele.
Comment: The p.Asp415GlufsX20 variant in SMAD4 has been reported in >20 probands (2 de no vo occurrences) with juvenile polyposis syndrome (JPS) and segregated with disea se in >20 relatives of multiple families (Howe 1998, Handra-Luca 2005, Calva-Cer queira 2009, Piepoli 2012, Ngeow 2013, Teekakirikul 2013, AlBalwi 2015, Susswein 2015, Burmester 2016, DeRycke 2017). This variant was absent from large populat ion databases but has been reported in ClinVar (Variation ID: 142253). This vari ant is predicted to cause a frameshift, which alters the protein?s amino acid se quence beginning at position 415 and leads to a premature termination codon 20 a mino acids downstream. This alteration is then predicted to lead to a truncated or absent protein. Heterozygous loss of function of the SMAD4 gene is an establi shed disease mechanism in JPS. In addition, in vitro functional studies provide some evidence that the p.Asp415GlufsX20 variant may impact protein function (Car r 2012). In summary, this variant meets criteria to be classified as pathogenic for JPS in an autosomal dominant manner based upon prevalence in probands, segre gation studies, absence from controls, functional evidence, and the predicted im pact on protein. ACMG/AMP Criteria applied: PVS1, PS4, PM6_Strong, PP1_Strong, P M2.

PreventionGenetics, part of Exact Sciences
Classification: Pathogenic for SMAD4-related condition. Last evaluated: 2024-03-20. Review status: no assertion criteria provided. Collection method: clinical testing. Allele origin: germline. Not counted in ClinVar's aggregate classification.
Comment: The SMAD4 c.1245_1248delCAGA variant is predicted to result in a frameshift and premature protein termination (p.Asp415Glufs*20). This variant has been reported in individuals with juvenile polyposis syndrome and shown to segregate with disease in families (see, for example, Howe et al. 1998. PubMed ID: 9582123; Calva-Cerqueira et al. 2009. PubMed ID: 18823382; Supplementary Table 2, Ngeow et al. 2013. PubMed ID: 23399955). It has also been reported in an individual with juvenile polyposis-hereditary hemorrhagic telangiectasia syndrome (Teekakirikul et al. 2013. PubMed ID: 23239472). In vitro functional studies suggest this variant impacts protein function (described as Del AGAC 1244-47 D415EfsX20 in Carr et al. 2012. PubMed ID: 22316667). This variant has not been reported in a large population database, indicating it is rare. Frameshift variants in SMAD4 are expected to be pathogenic. This variant is interpreted as pathogenic.

deCODE genetics, Amgen
Classification: Likely pathogenic for Juvenile polyposis/hereditary hemorrhagic telangiectasia syndrome. Last evaluated: 2023-07-21. Review status: no assertion criteria provided. Collection method: research. Allele origin: germline. Affected: yes. Observed: 2 variant alleles. Not counted in ClinVar's aggregate classification.
Comment: The variant NM_005359.6:c.1245_1248del (chr18:51067120) in SMAD4 was detected in 2 heterozygotes out of 58K WGS Icelanders (MAF= 0,002%). This variant has been reported in ClinVar previously as pathogenic. Based on ACMG criteria (PVS1, PM2) this variant classifies as likely pathogenic.

Solve-RD Consortium
Classification: Likely pathogenic for Juvenile polyposis/hereditary hemorrhagic telangiectasia syndrome. Last evaluated: 2022-06-01. Review status: no assertion criteria provided. Collection method: provider interpretation. Allele origin: inherited. Affected: yes. Not counted in ClinVar's aggregate classification.
Comment: Variant confirmed as disease-causing by referring clinical team

Variant identified during reanalysis of unsolved cases by the Solve-RD project. The Solve-RD project has received funding from the European Union’s Horizon 2020 research and innovation programme under grant agreement No 779257.

OMIM
Classification: Pathogenic for JUVENILE POLYPOSIS SYNDROME. Last evaluated: 2002-05-01. Review status: no assertion criteria provided. Collection method: literature only. Allele origin: germline. Not counted in ClinVar's aggregate classification.

Department of Pathology and Laboratory Medicine, Sinai Health System
Classification: Pathogenic for Carcinoma of colon. Review status: no assertion criteria provided. Collection method: clinical testing. Allele origin: unknown. Affected: yes. Study: The Canadian Open Genetics Repository (COGR). Not counted in ClinVar's aggregate classification.
Comment: The SMAD4 p.Asp415Glufs*20 variant was identified in 21 of 1596 proband chromosomes (frequency: 0.01) from individuals or families with juvenile and moderate-load polyposis and was not identified in 484 control chromosomes from healthy individuals (Howe 1998, Aretz 2007, Calva-Cerqueira 2009, Pinitiliciuc 2008, Piepoli 2012, Ngeow 2013, Burmester 2016). The variant was identified in dbSNP (rs80338965) as â€šÃ„Ãºwith pathogenic allele, ClinVar (classified as pathogenic by Invitae, GeneDx, Ambry Genetics and 6 other submitters) and LOVD 3.0 (observed 76x). The variant was not identified in the following control databases: the Exome Aggregation Consortium (August 8th 2016) or the Genome Aggregation Database (Feb 27, 2017). In HEK-293T cells, expression of the variant decreased bone morphogenetic protein signaling (Carr 2012). The c.1245_1248del variant is predicted to cause a frameshift, which alters the protein's amino acid sequence beginning at codon 415 and leads to a premature stop codon at position 434. This alteration is then predicted to result in a truncated or absent protein and loss of function. Loss of function variants of the SMAD4 gene are an established mechanism of disease in juvenile polyposis syndrome and is the type of variant expected to cause the disorder. In summary, based on the above information, this variant meets our laboratoryâ€šÃ„Ã´s criteria to be classified as pathogenic.

GeneReviews
No classification provided. Condition: Generalized juvenile polyposis/juvenile polyposis coli. Review status: no classification provided. Collection method: literature only. Allele origin: unknown. Not counted in ClinVar's aggregate classification.

Mayo Clinic Laboratories, Mayo Clinic
Classification: Pathogenic. Review status: no assertion criteria provided. Collection method: clinical testing. Allele origin: unknown. Not counted in ClinVar's aggregate classification.

Literature cited by the submitters: PubMed 16152648 (cited by Labcorp Genetics (formerly Invitae), Labcorp and Laboratory for Molecular Medicine, Mass General Brigham Personalized Medicine); PubMed 16436638 (cited by Labcorp Genetics (formerly Invitae), Labcorp); PubMed 22810475 (cited by Labcorp Genetics (formerly Invitae), Labcorp); PubMed 9582123 (cited by 5 submitters); PubMed 17873119 (cited by 3 submitters); PubMed 18355998 (cited by Labcorp Genetics (formerly Invitae), Labcorp and Quest Diagnostics Nichols Institute San Juan Capistrano); PubMed 23239472 (cited by 4 submitters); PubMed 23399955 (cited by 4 submitters); PubMed 27375208 (cited by 5 submitters); PubMed 22316667 (cited by 5 submitters); PubMed 25931195 (cited by Ambry Genetics); PubMed 36038259 (cited by Center for Genomic Medicine, Rigshospitalet, Copenhagen University Hospital); PubMed 10398437 (cited by Quest Diagnostics Nichols Institute San Juan Capistrano and OMIM); PubMed 33097490 (cited by Quest Diagnostics Nichols Institute San Juan Capistrano); PubMed 35943490 (cited by Quest Diagnostics Nichols Institute San Juan Capistrano); PubMed 18823382 (cited by Laboratory for Molecular Medicine, Mass General Brigham Personalized Medicine); PubMed 22748914 (cited by Laboratory for Molecular Medicine, Mass General Brigham Personalized Medicine); PubMed 26681312 (cited by Laboratory for Molecular Medicine, Mass General Brigham Personalized Medicine); PubMed 28944238 (cited by Laboratory for Molecular Medicine, Mass General Brigham Personalized Medicine); PubMed 39825153 (cited by Solve-RD Consortium); PubMed 11920286 (cited by OMIM); PubMed 15235019 (cited by GeneReviews); PubMed 20301642 (cited by GeneReviews); NCBI Bookshelf NBK1469 (cited by GeneReviews).